The following is an entry in ClinVar:

NM_001370259.2(MEN1):c.746_749dup (p.Thr251fs)

Gene: MEN1 (menin 1; minus strand). Cytogenetic location: 11q13.1.
Variant type: Duplication.
Coding change: c.746_749dup on transcript NM_001370259.2 (MANE Select); coding-DNA positions 746 to 749, 4 bases duplicated (TGCA; older notation c.746_749dupTGCA).
Protein change: p.Thr251fs; shifts the reading frame from threonine 251.
Molecular consequence: frameshift variant.
Genome position (GRCh38, 1-based): chr11:64,807,586-64,807,589, TGCA duplicated on the plus strand (TGCA on the coding strand, the reverse complement: MEN1 is on the minus strand). VCF-style (leftmost placement, unchanged base first): chr11-64807585-G-GTGCA. GRCh37 (hg19) VCF-style: chr11-64575057-G-GTGCA.
Other names: c.746_749dupTGCA (NM_130799.2); c.761_764dup, p.Thr256fs (NM_000244.4, NM_130800.3, NM_130801.3 and 3 more transcripts); c.746_749dup, p.Thr251fs (NM_001370251.2, NM_001370260.2, NM_001370261.2 and 1 more transcripts); c.641_644dup, p.Thr216fs (NM_001370262.2, NM_001370263.2); short protein forms T256fs, T251fs, T216fs.
Identifiers: ClinVar variation 642851 (VCV000642851.8), dbSNP rs1592648830, ClinGen allele CA915948183.

ClinVar aggregate classification (germline): Pathogenic (1 of 4 stars; one submission).

Conditions:
Multiple endocrine neoplasia, type 1 (MEN1). Also called: MEA I; MEN I; WERMER SYNDROME; Endocrine adenomatosis multiple; MEN 1. Identifiers: Orphanet 652, MedGen C0025267, MeSH D018761, MONDO:0007540, OMIM 131100.

Submission:

Labcorp Genetics (formerly Invitae), Labcorp
Classification: Pathogenic for Multiple endocrine neoplasia, type 1. Last evaluated: 2018-10-26. Review status: criteria provided, single submitter. Criteria: Invitae Variant Classification Sherloc (09022015). Collection method: clinical testing. Allele origin: germline.
Comment: This sequence change creates a premature translational stop signal (p.Thr251Alafs*20) in the MEN1 gene. It is expected to result in an absent or disrupted protein product. This variant is not present in population databases (ExAC no frequency). This variant has not been reported in the literature in individuals with MEN1-related disease. Loss-of-function variants in MEN1 are known to be pathogenic (PMID: 12112656, 17853334). For these reasons, this variant has been classified as Pathogenic.

Literature cited by the submitters: PubMed 12112656; PubMed 17853334.